The following is an entry in ClinVar:

NM_178452.6(DNAAF1):c.124+2T>G

Gene: DNAAF1 (dynein axonemal assembly factor 1; plus strand). Cytogenetic location: 16q24.1.
Variant type: single nucleotide variant.
Coding change: c.124+2T>G on transcript NM_178452.6 (MANE Select); the canonical splice donor site of the intron after coding-DNA position 124, T replaced by G.
Molecular consequence: splice donor variant.
Genome position (GRCh38, 1-based): chr16:84,145,566, T>G. VCF-style: chr16-84145566-T-G. GRCh37 (hg19) VCF-style: chr16-84179171-T-G.
Identifiers: ClinVar variation 4851988 (VCV004851988.2).
Genomic context (GRCh38, chr16:84,145,566, plus strand): 5'-CGGCGTGGAGGAGTCTGCGGGTGACCACGGGAGCGCAGGCCGAGGGGGCTGCAAGGAAGG[T>G]GCCGACTGCCCCCCAGGGAGGGCGGTGGGCGAGGGGCAGACACGGCTAGGCGCTCCAGCC-3'

ClinVar aggregate classification (germline): Pathogenic/Likely pathogenic. Review status: criteria provided, multiple submitters, no conflicts (2 of 4 stars). 2 submissions from 2 submitters: Pathogenic (1); Likely pathogenic (1). Last evaluated 2026-01-02.

Conditions:
DNAAF1-related disorders.

Submissions (2):

Dasa
Classification: Pathogenic. Last evaluated: 2026-01-02. Review status: criteria provided, single submitter. Criteria: DASA Assertion Criteria. Collection method: clinical testing. Allele origin: germline.
Comment: NM_178452.6(DNAAF1):c.124+2T>G introduces a premature termination codon predicted to result in loss of normal protein function. Loss-of-function is an established mechanism of disease for this gene. This variant results in the same amino acid change as a previously established pathogenic variant. This variant has been reported in individuals with related phenotype (PMID: 33174003). The variant is present at low frequency in population datasets. Based on the available data, this variant is classified as pathogenic.

Blueprint Genetics
Classification: Likely pathogenic for DNAAF1-related disorders. Last evaluated: 2024-09-03. Review status: criteria provided, single submitter. Criteria: ACMG Guidelines, 2015. Collection method: clinical testing. Allele origin: germline. Affected: yes. Observed: 3 variant alleles.

Literature cited by the submitters: PubMed 33174003 (cited by Dasa).